The following is an entry in ClinVar:

ClinVar aggregate classification (germline): Uncertain significance (1 of 4 stars; one submission).

Conditions:
Malignant hyperthermia, susceptibility to, 1 (MHS1). Also called: RYR1-Related Malignant Hyperthermia Susceptibility; Malignant hyperthermia suceptibility 1; Anesthesia related hyperthermia; Malignant hyperpyrexia; Fulminating hyperpyrexia; Pharmacogenic myopathy. Identifiers: Orphanet 423, MedGen C2930980, MONDO:0007783, OMIM 145600.

Submission:

Color Diagnostics, LLC DBA Color Health
Classification: Uncertain significance for Malignant hyperthermia, susceptibility to, 1. Last evaluated: 2025-06-23. Review status: criteria provided, single submitter. Criteria: ACMG Guidelines, 2015. Collection method: clinical testing. Allele origin: germline.
Comment: This missense variant replaces valine with isoleucine at codon 858 of the RYR1 protein. Computational prediction suggests that this variant may not impact protein structure and function. To our knowledge, functional studies have not been reported for this variant. This variant has not been reported in individuals affected with RYR1-related disorders in the literature. This variant has not been identified in the general population by the Genome Aggregation Database (gnomAD). The available evidence is insufficient to determine the role of this variant in disease conclusively. Therefore, this variant is classified as a Variant of Uncertain Significance.

NM_000540.3(RYR1):c.2572G>A (p.Val858Ile)

Gene: RYR1 (ryanodine receptor 1; plus strand). Cytogenetic location: 19q13.2.
Variant type: single nucleotide variant.
Coding change: c.2572G>A on transcript NM_000540.3 (MANE Select); coding-DNA position 2572, G replaced by A.
Protein change: p.Val858Ile; replaces valine 858 with isoleucine.
Molecular consequence: missense variant.
Genome position (GRCh38, 1-based): chr19:38,460,586, G>A. VCF-style: chr19-38460586-G-A. GRCh37 (hg19) VCF-style: chr19-38951226-G-A.
Other names: c.2572G>A, p.Val858Ile (NM_001042723.2); short protein forms V858I.
Identifiers: ClinVar variation 4757299 (VCV004757299.1).